The following is an entry in ClinVar:

NM_001252024.2(TRPM1):c.2992G>A (p.Val998Met)

Genes: TRPM1 (transient receptor potential cation channel subfamily M member 1; minus strand), TRPM1-AS1 (TRPM1 antisense RNA 1; plus strand). Cytogenetic location: 15q13.3.
Variant type: single nucleotide variant.
Coding change: c.2992G>A on transcript NM_001252024.2 (MANE Select); coding-DNA position 2992, G replaced by A.
Protein change: p.Val998Met; replaces valine 998 with methionine.
Molecular consequence: missense variant.
Genome position (GRCh38, 1-based): chr15:31,031,118, C>T on the plus strand (G>A on the coding strand, the complement: TRPM1 is on the minus strand). VCF-style: chr15-31031118-C-T. GRCh37 (hg19) VCF-style: chr15-31323321-C-T.
Other names: c.3043G>A, p.Val1015Met (NM_001252020.2); c.2926G>A, p.Val976Met (NM_002420.6); c.2926G>A (NM_002420.4); short protein forms V1015M, V976M, V998M.
Identifiers: ClinVar variation 1059624 (VCV001059624.9), dbSNP rs762311684, ClinGen allele CA7452008.

ClinVar aggregate classification (germline): Uncertain significance. Review status: criteria provided, multiple submitters, no conflicts (2 of 4 stars). 3 submissions from 3 submitters: Uncertain significance (3). Last evaluated 2024-01-09.

Conditions:
Inborn genetic diseases. Identifiers: MedGen C0950123, MeSH D030342.

Allele frequency attached by ClinVar (database versions not stated): ExAC 0.00004.
gnomAD v4.1: 44 of 1,614,070 alleles (0.0027%); highest among the groups gnomAD compares: South Asian, 0.03%; no homozygotes.

Submissions (3):

Ambry Genetics
Classification: Uncertain significance for Inborn genetic diseases. Last evaluated: 2024-01-09. Review status: criteria provided, single submitter. Criteria: Ambry Variant Classification Scheme 2023. Collection method: clinical testing. Allele origin: germline.

Blueprint Genetics
Classification: Uncertain significance. Last evaluated: 2023-09-29. Review status: criteria provided, single submitter. Criteria: ACMG Guidelines, 2015. Collection method: clinical testing. Allele origin: germline.

Labcorp Genetics (formerly Invitae), Labcorp
Classification: Uncertain significance. Last evaluated: 2023-07-10. Review status: criteria provided, single submitter. Criteria: Invitae Variant Classification Sherloc (09022015). Collection method: clinical testing. Allele origin: germline.
Comment: This sequence change replaces valine, which is neutral and non-polar, with methionine, which is neutral and non-polar, at codon 976 of the TRPM1 protein (p.Val976Met). This variant is present in population databases (rs762311684, gnomAD 0.03%). This variant has not been reported in the literature in individuals affected with TRPM1-related conditions. ClinVar contains an entry for this variant (Variation ID: 1059624). Advanced modeling of protein sequence and biophysical properties (such as structural, functional, and spatial information, amino acid conservation, physicochemical variation, residue mobility, and thermodynamic stability) has been performed at Invitae for this missense variant, however the output from this modeling did not meet the statistical confidence thresholds required to predict the impact of this variant on TRPM1 protein function. In summary, the available evidence is currently insufficient to determine the role of this variant in disease. Therefore, it has been classified as a Variant of Uncertain Significance.